The following is an entry in ClinVar:

ClinVar aggregate classification (germline): Benign/Likely benign. Review status: criteria provided, multiple submitters, no conflicts (2 of 4 stars). 4 submissions from 4 submitters: Benign (2); Likely benign (1). 1 of the submissions does not count toward it. Last evaluated 2026-01-14.

Conditions:
DVL1-related disorder. Also called: DVL1-related condition.

Allele frequency attached by ClinVar (database versions not stated): TOPMed 0.00029; ESP Exome Variant Server 0.00031; gnomAD 0.00048.
gnomAD v4.1: 651 of 1,612,304 alleles (0.04%); highest among the groups gnomAD compares: Non-Finnish European, 0.05%; no homozygotes.

Submissions (4):

Labcorp Genetics (formerly Invitae), Labcorp
Classification: Benign. Last evaluated: 2026-01-14. Review status: criteria provided, single submitter. Criteria: Invitae Variant Classification Sherloc (09022015). Collection method: clinical testing. Allele origin: germline.

Blueprint Genetics
Classification: Likely benign. Last evaluated: 2024-10-24. Review status: criteria provided, single submitter. Criteria: ACMG Guidelines, 2015. Collection method: clinical testing. Allele origin: germline.

Institute for Genomic Medicine (IGM) Clinical Laboratory, Nationwide Children's Hospital
Classification: Benign. Last evaluated: 2017-11-15. Review status: criteria provided, single submitter. Criteria: ACMG Guidelines, 2015. Collection method: clinical testing. Allele origin: germline.
Comment: BS1, BS2, BP1, BP4; This alteration has an allele frequency that is greater than expected for the associated disease, was seen in a healthy adult where full penetrance of the disorder is expected at an early age, is a missense alteration in a gene for which primarily truncating variants are known to cause disease, and is predicted to be tolerated by multiple functional prediction tools.

PreventionGenetics, part of Exact Sciences
Classification: Likely benign for DVL1-related condition. Last evaluated: 2023-05-10. Review status: no assertion criteria provided. Collection method: clinical testing. Allele origin: germline. Not counted in ClinVar's aggregate classification.
Comment: This variant is classified as likely benign based on ACMG/AMP sequence variant interpretation guidelines (Richards et al. 2015 PMID: 25741868, with internal and published modifications).

NM_001330311.2(DVL1):c.685C>G (p.Arg229Gly)

Gene: DVL1 (dishevelled segment polarity protein 1; minus strand). Cytogenetic location: 1p36.33.
Variant type: single nucleotide variant.
Coding change: c.685C>G on transcript NM_001330311.2 (MANE Select); coding-DNA position 685, C replaced by G.
Protein change: p.Arg229Gly; replaces arginine 229 with glycine.
Molecular consequence: missense variant.
Genome position (GRCh38, 1-based): chr1:1,340,424, G>C on the plus strand (C>G on the coding strand, the complement: DVL1 is on the minus strand). VCF-style: chr1-1340424-G-C. GRCh37 (hg19) VCF-style: chr1-1275804-G-C.
Other names: c.685C>G, p.Arg229Gly (NM_004421.3); short protein forms R229G.
Identifiers: ClinVar variation 599454 (VCV000599454.16), dbSNP rs144365982, ClinGen allele CA520538.